The following is an entry in ClinVar:

NM_004036.5(ADCY3):c.2055+7G>A

Gene: ADCY3 (adenylate cyclase 3; minus strand). Cytogenetic location: 2p23.3.
Variant type: single nucleotide variant.
Coding change: c.2055+7G>A on transcript NM_004036.5 (MANE Select); 7 bases into the intron after coding-DNA position 2055, G replaced by A.
Molecular consequence: intron variant.
Genome position (GRCh38, 1-based): chr2:24,831,655, C>T on the plus strand (G>A on the coding strand, the complement: ADCY3 is on the minus strand). VCF-style: chr2-24831655-C-T. GRCh37 (hg19) VCF-style: chr2-25054524-C-T.
Other names: c.2055+7G>A (NM_001377130.1, NM_001377129.1, NM_001320613.2 and 1 more transcripts); c.2121+7G>A (NM_001377128.1); c.1332+7G>A (NM_001377131.1).
Identifiers: ClinVar variation 3029650 (VCV003029650.4), dbSNP rs746964307, ClinGen allele CA1553894.

ClinVar aggregate classification (germline): Likely benign. Review status: criteria provided, single submitter (1 of 4 stars). 2 submissions from 2 submitters: Likely benign (1). 1 of the submissions does not count toward it. Last evaluated 2024-03-27.

Conditions:
ADCY3-related disorder. Also called: ADCY3-related condition.

Allele frequency attached by ClinVar (database versions not stated): gnomAD exomes 0.00003; TOPMed 0.00003; ExAC 0.00004.
gnomAD v4.1: 15 of 1,612,956 alleles (0.00093%); highest among the groups gnomAD compares: Admixed American, 0.023%; no homozygotes.

Submissions (2):

Labcorp Genetics (formerly Invitae), Labcorp
Classification: Likely benign. Last evaluated: 2024-03-27. Review status: criteria provided, single submitter. Criteria: Invitae Variant Classification Sherloc (09022015). Collection method: clinical testing. Allele origin: germline.

PreventionGenetics, part of Exact Sciences
Classification: Likely benign for ADCY3-related condition. Last evaluated: 2021-05-19. Review status: no assertion criteria provided. Collection method: clinical testing. Allele origin: germline. Not counted in ClinVar's aggregate classification.
Comment: This variant is classified as likely benign based on ACMG/AMP sequence variant interpretation guidelines (Richards et al. 2015 PMID: 25741868, with internal and published modifications).